The following is an entry in ClinVar:

ClinVar aggregate classification (germline): Uncertain significance (1 of 4 stars; one submission).

Conditions:
Regional enteritis. Also called: Enteritis, Granulomatous. Identifiers: MedGen C0678202, MeSH D003424.
Blau syndrome (BLAUS). Also called: GRANULOMATOSIS, FAMILIAL JUVENILE SYSTEMIC; GRANULOMATOSIS, FAMILIAL, BLAU TYPE; GRANULOMATOUS INFLAMMATORY ARTHRITIS, DERMATITIS, AND UVEITIS, FAMILIAL; JABS SYNDROME; ARTHROCUTANEOUVEAL GRANULOMATOSIS. Identifiers: Orphanet 90340, MedGen C5201146, MONDO:0008523, OMIM 186580.

Allele frequency attached by ClinVar (database versions not stated): gnomAD exomes below 0.00001; TOPMed below 0.00001; ExAC 0.00001.
gnomAD v4.1: 2 of 1,614,166 alleles (0.00012%); highest among the groups gnomAD compares: Admixed American, 0.0033%; no homozygotes.

Submission:

Labcorp Genetics (formerly Invitae), Labcorp
Classification: Uncertain significance for Regional enteritis; Blau syndrome. Last evaluated: 2022-11-04. Review status: criteria provided, single submitter. Criteria: Invitae Variant Classification Sherloc (09022015). Collection method: clinical testing. Allele origin: germline.
Comment: ClinVar contains an entry for this variant (Variation ID: 656092). Advanced modeling of protein sequence and biophysical properties (such as structural, functional, and spatial information, amino acid conservation, physicochemical variation, residue mobility, and thermodynamic stability) performed at Invitae indicates that this missense variant is not expected to disrupt NOD2 protein function. In summary, the available evidence is currently insufficient to determine the role of this variant in disease. Therefore, it has been classified as a Variant of Uncertain Significance. This variant has not been reported in the literature in individuals affected with NOD2-related conditions. This variant is present in population databases (rs774016655, gnomAD 0.003%). This sequence change replaces alanine, which is neutral and non-polar, with glycine, which is neutral and non-polar, at codon 340 of the NOD2 protein (p.Ala340Gly).

NM_001370466.1(NOD2):c.938C>G (p.Ala313Gly)

Gene: NOD2 (nucleotide binding oligomerization domain containing 2; plus strand). Cytogenetic location: 16q12.1.
Variant type: single nucleotide variant.
Coding change: c.938C>G on transcript NM_001370466.1 (MANE Select); coding-DNA position 938, C replaced by G.
Protein change: p.Ala313Gly; replaces alanine 313 with glycine.
Molecular consequence: missense variant. On other transcripts: non-coding transcript variant (1).
Genome position (GRCh38, 1-based): chr16:50,710,930, C>G. VCF-style: chr16-50710930-C-G. GRCh37 (hg19) VCF-style: chr16-50744841-C-G.
Other names: c.938C>G, p.Ala313Gly (NM_001293557.2); c.1019C>G, p.Ala340Gly (NM_022162.3); short protein forms A313G, A340G.
Identifiers: ClinVar variation 656092 (VCV000656092.11), dbSNP rs774016655, ClinGen allele CA8051441.